The following is an entry in ClinVar:

ClinVar aggregate classification (germline): Uncertain significance. Review status: criteria provided, multiple submitters, no conflicts (2 of 4 stars). 2 submissions from 2 submitters: Uncertain significance (2). Last evaluated 2024-05-31.

Conditions:
Inborn genetic diseases. Identifiers: MedGen C0950123, MeSH D030342.

Submissions (2):

Ambry Genetics
Classification: Uncertain significance for Inborn genetic diseases. Last evaluated: 2024-05-31. Review status: criteria provided, single submitter. Criteria: Ambry Variant Classification Scheme 2023. Collection method: clinical testing. Allele origin: germline.

Labcorp Genetics (formerly Invitae), Labcorp
Classification: Uncertain significance. Last evaluated: 2022-03-02. Review status: criteria provided, single submitter. Criteria: Invitae Variant Classification Sherloc (09022015). Collection method: clinical testing. Allele origin: germline.
Comment: This variant has not been reported in the literature in individuals affected with TALDO1-related conditions. Algorithms developed to predict the effect of missense changes on protein structure and function are either unavailable or do not agree on the potential impact of this missense change (SIFT: "Deleterious"; PolyPhen-2: "Probably Damaging"; Align-GVGD: "Class C0"). In summary, the available evidence is currently insufficient to determine the role of this variant in disease. Therefore, it has been classified as a Variant of Uncertain Significance. This sequence change replaces cysteine, which is neutral and slightly polar, with tyrosine, which is neutral and polar, at codon 250 of the TALDO1 protein (p.Cys250Tyr). This variant is not present in population databases (gnomAD no frequency).

NM_006755.2(TALDO1):c.749G>A (p.Cys250Tyr)

Gene: TALDO1 (transaldolase 1; plus strand). Cytogenetic location: 11p15.5.
Variant type: single nucleotide variant.
Coding change: c.749G>A on transcript NM_006755.2 (MANE Select); coding-DNA position 749, G replaced by A.
Protein change: p.Cys250Tyr; replaces cysteine 250 with tyrosine.
Molecular consequence: missense variant.
Genome position (GRCh38, 1-based): chr11:763,858, G>A. VCF-style: chr11-763858-G-A. GRCh37 (hg19) VCF-style: chr11-763858-G-A.
Other names: c.749G>A (NM_006755.1); short protein forms C250Y.
Identifiers: ClinVar variation 1470675 (VCV001470675.7), dbSNP rs2133582997, ClinGen allele CA378937164.